The following is an entry in ClinVar:

NM_033087.4(ALG2):c.1005G>A (p.Met335Ile)

Gene: ALG2 (ALG2 alpha-1,3/1,6-mannosyltransferase; minus strand). Cytogenetic location: 9q22.33.
Variant type: single nucleotide variant.
Coding change: c.1005G>A on transcript NM_033087.4 (MANE Select); coding-DNA position 1005, G replaced by A.
Protein change: p.Met335Ile; replaces methionine 335 with isoleucine.
Molecular consequence: missense variant. On other transcripts: non-coding transcript variant (1).
Genome position (GRCh38, 1-based): chr9:99,218,180, C>T on the plus strand (G>A on the coding strand, the complement: ALG2 is on the minus strand). VCF-style: chr9-99218180-C-T. GRCh37 (hg19) VCF-style: chr9-101980462-C-T.
Other names: short protein forms M335I.
Identifiers: ClinVar variation 1943228 (VCV001943228.5), dbSNP rs936531159, ClinGen allele CA196852945.

ClinVar aggregate classification (germline): Uncertain significance (1 of 4 stars; one submission).

Conditions:
Congenital disorder of glycosylation, type Ii. Also called: CDG Ii; ALG2-CDG; ALG2-congenital disorder of glycosylation. Identifiers: Orphanet 79326, MedGen C1842836, MONDO:0011933, OMIM 607906.
Congenital myasthenic syndrome 14. Also called: Myasthenic syndrome, congenital, 14, with tubular aggregates. Identifiers: Orphanet 353327, Orphanet 590, MedGen C4015597, MONDO:0014543, OMIM 616228.

Allele frequency attached by ClinVar (database versions not stated): TOPMed below 0.00001; gnomAD exomes 0.00001.
gnomAD v4.1: 3 of 1,613,438 alleles (0.00019%); highest among the groups gnomAD compares: Non-Finnish European, 0.00025%; no homozygotes.

Submission:

Labcorp Genetics (formerly Invitae), Labcorp
Classification: Uncertain significance for Congenital disorder of glycosylation, type Ii; Congenital myasthenic syndrome 14. Last evaluated: 2022-01-19. Review status: criteria provided, single submitter. Criteria: Invitae Variant Classification Sherloc (09022015). Collection method: clinical testing. Allele origin: germline.
Comment: In summary, the available evidence is currently insufficient to determine the role of this variant in disease. Therefore, it has been classified as a Variant of Uncertain Significance. Algorithms developed to predict the effect of missense changes on protein structure and function are either unavailable or do not agree on the potential impact of this missense change (SIFT: "Deleterious"; PolyPhen-2: "Probably Damaging"; Align-GVGD: "Class C0"). This variant has not been reported in the literature in individuals affected with ALG2-related conditions. This variant is not present in population databases (gnomAD no frequency). This sequence change replaces methionine, which is neutral and non-polar, with isoleucine, which is neutral and non-polar, at codon 335 of the ALG2 protein (p.Met335Ile).